The following is an entry in ClinVar:

ClinVar aggregate classification (germline): Uncertain significance (1 of 4 stars; one submission).

gnomAD v4.1: 3 of 1,613,744 alleles (0.00019%); highest among the groups gnomAD compares: African/African-American, 0.0027%; no homozygotes.

Submission:

Labcorp Genetics (formerly Invitae), Labcorp
Classification: Uncertain significance. Last evaluated: 2025-10-05. Review status: criteria provided, single submitter. Criteria: Invitae Variant Classification Sherloc (09022015). Collection method: clinical testing. Allele origin: germline.
Comment: This sequence change replaces tyrosine, which is neutral and polar, with asparagine, which is neutral and polar, at codon 306 of the P2RX2 protein (p.Tyr306Asn). This variant is present in population databases (no rsID available, gnomAD 0.01%). This variant has not been reported in the literature in individuals affected with P2RX2-related conditions. Invitae Evidence Modeling of protein sequence and biophysical properties (such as structural, functional, and spatial information, amino acid conservation, physicochemical variation, residue mobility, and thermodynamic stability) indicates that this missense variant is expected to disrupt P2RX2 protein function with a positive predictive value of 80%. In summary, the available evidence is currently insufficient to determine the role of this variant in disease. Therefore, it has been classified as a Variant of Uncertain Significance.

NM_170682.4(P2RX2):c.916T>A (p.Tyr306Asn)

Gene: P2RX2 (purinergic receptor P2X 2; plus strand). Cytogenetic location: 12q24.33.
Variant type: single nucleotide variant.
Coding change: c.916T>A on transcript NM_170682.4 (MANE Select); coding-DNA position 916, T replaced by A.
Protein change: p.Tyr306Asn; replaces tyrosine 306 with asparagine.
Molecular consequence: missense variant.
Genome position (GRCh38, 1-based): chr12:132,621,265, T>A. VCF-style: chr12-132621265-T-A. GRCh37 (hg19) VCF-style: chr12-133197851-T-A.
Other names: c.814T>A, p.Tyr272Asn (NM_001282164.2); c.916T>A, p.Tyr306Asn (NM_001282165.2, NM_170683.4, NM_174873.3); c.700T>A, p.Tyr234Asn (NM_012226.5); c.844T>A, p.Tyr282Asn (NM_016318.4); c.640T>A, p.Tyr214Asn (NM_174872.3); short protein forms Y272N, Y306N, Y234N, Y282N, Y214N.
Identifiers: ClinVar variation 4767260 (VCV004767260.1).